The following is an entry in ClinVar:

NM_006790.3(MYOT):c.143C>G (p.Thr48Arg)

Genes: MYOT (myotilin; plus strand), PKD2L2-DT (PKD2L2 divergent transcript; minus strand). Cytogenetic location: 5q31.2.
Variant type: single nucleotide variant.
Coding change: c.143C>G on transcript NM_006790.3 (MANE Select); coding-DNA position 143, C replaced by G.
Protein change: p.Thr48Arg; replaces threonine 48 with arginine.
Molecular consequence: missense variant. On other transcripts: intron variant (2).
Genome position (GRCh38, 1-based): chr5:137,870,794, C>G. VCF-style: chr5-137870794-C-G. GRCh37 (hg19) VCF-style: chr5-137206483-C-G.
Other names: c.-120-83C>G (NM_001300911.2); c.-197+269C>G (NM_001135940.2); short protein forms T48R.
Identifiers: ClinVar variation 2994371 (VCV002994371.3), dbSNP rs770515990, ClinGen allele CA361052683.

ClinVar aggregate classification (germline): Uncertain significance (1 of 4 stars; one submission).

Conditions:
Myofibrillar myopathy 3 (MFM3). Also called: Autosomal dominant spheroid body myopathy; Muscular dystrophy, proximal, type 1A. Identifiers: Orphanet 266, Orphanet 268129, MedGen C3714934, MONDO:0012215, OMIM 609200.

gnomAD v4.1: 2 of 1,614,176 alleles (0.00012%); highest among the groups gnomAD compares: South Asian, 0.0022%; no homozygotes.

Submission:

Labcorp Genetics (formerly Invitae), Labcorp
Classification: Uncertain significance for Myofibrillar myopathy 3. Last evaluated: 2022-11-07. Review status: criteria provided, single submitter. Criteria: Invitae Variant Classification Sherloc (09022015). Collection method: clinical testing. Allele origin: germline.
Comment: In summary, the available evidence is currently insufficient to determine the role of this variant in disease. Therefore, it has been classified as a Variant of Uncertain Significance. Algorithms developed to predict the effect of missense changes on protein structure and function are either unavailable or do not agree on the potential impact of this missense change (SIFT: "Deleterious"; PolyPhen-2: "Benign"; Align-GVGD: "Class C0"). This variant has not been reported in the literature in individuals affected with MYOT-related conditions. This variant is not present in population databases (gnomAD no frequency). This sequence change replaces threonine, which is neutral and polar, with arginine, which is basic and polar, at codon 48 of the MYOT protein (p.Thr48Arg).